The following is an entry in ClinVar:

NM_006086.4(TUBB3):c.157G>A (p.Glu53Lys)

Gene: TUBB3 (tubulin beta 3 class III; plus strand). Cytogenetic location: 16q24.3.
Variant type: single nucleotide variant.
Coding change: c.157G>A on transcript NM_006086.4 (MANE Select); coding-DNA position 157, G replaced by A.
Protein change: p.Glu53Lys; replaces glutamic acid 53 with lysine.
Molecular consequence: missense variant. On other transcripts: 5 prime UTR variant (1).
Genome position (GRCh38, 1-based): chr16:89,932,670, G>A. VCF-style: chr16-89932670-G-A. GRCh37 (hg19) VCF-style: chr16-89999078-G-A.
Other names: c.-60G>A (NM_001197181.2); short protein forms E53K.
Identifiers: ClinVar variation 3373048 (VCV003373048.2).

ClinVar aggregate classification (germline): Uncertain significance (1 of 4 stars; one submission).

gnomAD v4.1: 3 of 1,613,796 alleles (0.00019%); highest among the groups gnomAD compares: South Asian, 0.0011%; no homozygotes.

Submission:

GeneDx
Classification: Uncertain significance. Last evaluated: 2025-04-03. Review status: criteria provided, single submitter. Criteria: GeneDx Variant Classification Process June 2021. Collection method: clinical testing. Allele origin: germline. Affected: yes.
Comment: Not observed at significant frequency in large population cohorts (gnomAD); Missense variants in this gene are a common cause of disease and they are underrepresented in the general population; In silico analysis supports that this missense variant has a deleterious effect on protein structure/function; Has not been previously published as pathogenic or benign to our knowledge; This variant is associated with the following publications: (PMID: 20829227)